The following is an entry in ClinVar:

NM_004208.4(AIFM1):c.910A>T (p.Thr304Ser)

Genes: AIFM1 (apoptosis inducing factor mitochondria associated 1; minus strand), RAB33A (RAB33A, member RAS oncogene family; plus strand). Cytogenetic location: Xq26.1.
Variant type: single nucleotide variant.
Coding change: c.910A>T on transcript NM_004208.4 (MANE Select); coding-DNA position 910, A replaced by T.
Protein change: p.Thr304Ser; replaces threonine 304 with serine.
Molecular consequence: missense variant. On other transcripts: non-coding transcript variant (1).
Genome position (GRCh38, 1-based): chrX:130,138,650, T>A on the plus strand (A>T on the coding strand, the complement: AIFM1 is on the minus strand). VCF-style: chrX-130138650-T-A. GRCh37 (hg19) VCF-style: chrX-129272625-T-A.
Other names: c.910A>T, p.Thr304Ser (NM_001130847.4); c.898A>T, p.Thr300Ser (NM_145812.3); short protein forms T300S, T304S.
Identifiers: ClinVar variation 1307426 (VCV001307426.2), dbSNP rs2124655204, ClinGen allele CA414581249.
Genomic context (GRCh38, chrX:130,138,650, plus strand): 5'-CACCCTTTCTGCCAAGAGCACAGGCCAGTTCGCTACCAAGGAAGCCCCCACCGATAATCG[T>A]AATTGATTTGACTTCCCGTGAAATCTTCTCCAAGCTTCTAAAGTCTCCAATCTGCAGGAT-3'
Protein context (NP_004199.1, residues 294-314): EKISREVKSI[Thr304Ser]IIGGGFLGSE

ClinVar aggregate classification (germline): Uncertain significance (1 of 4 stars; one submission).

Submission:

GeneDx
Classification: Uncertain significance. Last evaluated: 2019-03-06. Review status: criteria provided, single submitter. Criteria: GeneDx Variant Classification Process June 2021. Collection method: clinical testing. Allele origin: germline. Affected: yes.
Comment: Not observed in large population cohorts (Lek et al., 2016); In silico analysis, which includes protein predictors and evolutionary conservation, supports that this variant does not alter protein structure/function; Has not been previously published as pathogenic or benign to our knowledge